The following is an entry in ClinVar:

NM_031885.5(BBS2):c.838A>G (p.Ile280Val)

Gene: BBS2 (Bardet-Biedl syndrome 2; minus strand). Cytogenetic location: 16q13.
Variant type: single nucleotide variant.
Coding change: c.838A>G on transcript NM_031885.5 (MANE Select); coding-DNA position 838, A replaced by G.
Protein change: p.Ile280Val; replaces isoleucine 280 with valine.
Molecular consequence: missense variant. On other transcripts: non-coding transcript variant (5).
Genome position (GRCh38, 1-based): chr16:56,502,775, T>C on the plus strand (A>G on the coding strand, the complement: BBS2 is on the minus strand). VCF-style: chr16-56502775-T-C. GRCh37 (hg19) VCF-style: chr16-56536687-T-C.
Other names: c.838A>G, p.Ile280Val (NM_001377456.1); short protein forms I280V.
Identifiers: ClinVar variation 2162515 (VCV002162515.4), dbSNP rs983328918, ClinGen allele CA281481442.

ClinVar aggregate classification (germline): Uncertain significance (1 of 4 stars; one submission).

Conditions:
Bardet-Biedl syndrome (BBS). Identifiers: Orphanet 110, MedGen C0752166, MONDO:0015229.

Submission:

Labcorp Genetics (formerly Invitae), Labcorp
Classification: Uncertain significance for Bardet-Biedl syndrome. Last evaluated: 2021-12-24. Review status: criteria provided, single submitter. Criteria: Invitae Variant Classification Sherloc (09022015). Collection method: clinical testing. Allele origin: germline.
Comment: In summary, the available evidence is currently insufficient to determine the role of this variant in disease. Therefore, it has been classified as a Variant of Uncertain Significance. Algorithms developed to predict the effect of missense changes on protein structure and function (SIFT, PolyPhen-2, Align-GVGD) all suggest that this variant is likely to be tolerated. This variant has not been reported in the literature in individuals affected with BBS2-related conditions. This variant is not present in population databases (gnomAD no frequency). This sequence change replaces isoleucine, which is neutral and non-polar, with valine, which is neutral and non-polar, at codon 280 of the BBS2 protein (p.Ile280Val).